The following is an entry in ClinVar:

NM_005902.4(SMAD3):c.207-3C>A

Gene: SMAD3 (SMAD family member 3; plus strand). Cytogenetic location: 15q22.33.
Variant type: single nucleotide variant.
Coding change: c.207-3C>A on transcript NM_005902.4 (MANE Select); 3 bases into the intron before coding-DNA position 207, C replaced by A.
Molecular consequence: intron variant.
Genome position (GRCh38, 1-based): chr15:67,164,892, C>A. VCF-style: chr15-67164892-C-A. GRCh37 (hg19) VCF-style: chr15-67457230-C-A.
Other names: c.-109-3C>A (NM_001145102.2); c.75-3C>A (NM_001145103.2).
Identifiers: ClinVar variation 580639 (VCV000580639.16), dbSNP rs757772685, ClinGen allele CA062035.

ClinVar aggregate classification (germline): Uncertain significance. Review status: criteria provided, multiple submitters, no conflicts (2 of 4 stars). 5 submissions from 5 submitters: Uncertain significance (5). Last evaluated 2026-03-11.

Conditions:
Aneurysm-osteoarthritis syndrome. Also called: Loeys-Dietz syndrome, type 1C; ANEURYSMS-OSTEOARTHRITIS SYNDROME; SMAD3-Related Loeys-Dietz Syndrome; LOEYS-DIETZ SYNDROME WITH OSTEOARTHRITIS. Identifiers: Orphanet 284984, MedGen C3151087, MONDO:0013426, OMIM 613795.
Familial thoracic aortic aneurysm and aortic dissection (TAAD). Also called: Thoracic aortic aneurysms and dissections. Identifiers: Orphanet 91387, MedGen C4707243, MONDO:0019625.

Allele frequency attached by ClinVar (database versions not stated): gnomAD exomes below 0.00001 and 0.00001; ExAC 0.00001; gnomAD 0.00001; TOPMed 0.00001.
gnomAD v4.1: 7 of 1,612,634 alleles (0.00043%); highest among the groups gnomAD compares: Admixed American, 0.0067%; no homozygotes.

Submissions (5):

Ambry Genetics
Classification: Uncertain significance for Familial thoracic aortic aneurysm and aortic dissection. Last evaluated: 2026-03-11. Review status: criteria provided, single submitter. Criteria: Ambry Variant Classification Scheme 2023. Collection method: clinical testing. Allele origin: germline.
Comment: The c.207-3C>A intronic variant results from a C to A substitution 3 nucleotides before coding exon 2 in the SMAD3 gene. This nucleotide position is highly conserved in available vertebrate species. In silico splice site analysis for this alteration is inconclusive. Based on the available evidence, the clinical significance of this variant remains unclear.

Labcorp Genetics (formerly Invitae), Labcorp
Classification: Uncertain significance for Familial thoracic aortic aneurysm and aortic dissection. Last evaluated: 2025-06-11. Review status: criteria provided, single submitter. Criteria: Invitae Variant Classification Sherloc (09022015). Collection method: clinical testing. Allele origin: germline.
Comment: This sequence change falls in intron 1 of the SMAD3 gene. It does not directly change the encoded amino acid sequence of the SMAD3 protein. It affects a nucleotide within the consensus splice site. This variant is present in population databases (rs757772685, gnomAD 0.009%). This variant has not been reported in the literature in individuals affected with SMAD3-related conditions. ClinVar contains an entry for this variant (Variation ID: 580639). Variants that disrupt the consensus splice site are a relatively common cause of aberrant splicing (PMID: 17576681, 9536098). Algorithms developed to predict the effect of sequence changes on RNA splicing suggest that this variant is not likely to affect RNA splicing. In summary, the available evidence is currently insufficient to determine the role of this variant in disease. Therefore, it has been classified as a Variant of Uncertain Significance.

GeneDx
Classification: Uncertain significance. Last evaluated: 2024-12-06. Review status: criteria provided, single submitter. Criteria: GeneDx Variant Classification Process June 2021. Collection method: clinical testing. Allele origin: germline. Affected: yes.
Comment: Has not been previously published as pathogenic or benign to our knowledge; Not observed at significant frequency in large population cohorts (gnomAD); In silico analysis indicates that this variant does not alter splicing

All of Us Research Program, National Institutes of Health
Classification: Uncertain significance for Aneurysm-osteoarthritis syndrome. Last evaluated: 2023-05-04. Review status: criteria provided, single submitter. Criteria: ACMG Guidelines, 2015. Collection method: clinical testing. Allele origin: germline. Inheritance: Autosomal dominant inheritance. Observed: 1 variant allele, 1 heterozygote.
Comment: This variant causes a C>A nucleotide substitution at the -3 position of intron 1 of the SMAD3 gene. Splice site prediction tools predict that this variant may have a significant impact on RNA splicing. To our knowledge, functional studies have not been reported for this variant. This variant has not been reported in individuals affected with cardiovascular disorders in the literature. This variant has been identified in 4/282682 chromosomes in the general population by the Genome Aggregation Database (gnomAD). The available evidence is insufficient to determine the role of this variant in disease conclusively. Therefore, this variant is classified as a Variant of Uncertain Significance.

This study involves interpretation of variants in research participants for the purpose of population health screening. Participant phenotype was not available at the time of variant classification. Additional details can be found in publication PMID: 35346344, PMCID: PMC8962531

Color Diagnostics, LLC DBA Color Health
Classification: Uncertain significance for Familial thoracic aortic aneurysm and aortic dissection. Last evaluated: 2023-04-05. Review status: criteria provided, single submitter. Criteria: ACMG Guidelines, 2015. Collection method: clinical testing. Allele origin: germline.
Comment: This variant causes a C>A nucleotide substitution at the -3 position of intron 1 of the SMAD3 gene. Splice site prediction tools predict that this variant may have a significant impact on RNA splicing. To our knowledge, functional studies have not been reported for this variant. This variant has not been reported in individuals affected with cardiovascular disorders in the literature. This variant has been identified in 4/282682 chromosomes in the general population by the Genome Aggregation Database (gnomAD). The available evidence is insufficient to determine the role of this variant in disease conclusively. Therefore, this variant is classified as a Variant of Uncertain Significance.

Literature cited by the submitters: PubMed 37813462 (cited by Ambry Genetics); PubMed 17576681 (cited by Labcorp Genetics (formerly Invitae), Labcorp); PubMed 9536098 (cited by Labcorp Genetics (formerly Invitae), Labcorp).